The following is an entry in ClinVar:

ClinVar aggregate classification (germline): Benign/Likely benign. Review status: criteria provided, multiple submitters, no conflicts (2 of 4 stars). 2 submissions from 2 submitters: Benign (1); Likely benign (1). Last evaluated 2024-10-15.

Conditions:
Hereditary diffuse gastric adenocarcinoma (HDGC). Also called: DIFFUSE GASTRIC AND LOBULAR BREAST CANCER SYNDROME. Identifiers: Orphanet 26106, MedGen C1708349, MONDO:0007648, OMIM 137215.
Hereditary cancer-predisposing syndrome. Also called: Neoplastic Syndromes, Hereditary; Tumor predisposition; Hereditary neoplastic syndrome; Hereditary Cancer Syndrome. Identifiers: Orphanet 140162, MedGen C0027672, MeSH D009386, MONDO:0015356.

Submissions (2):

Myriad Genetics, Inc.
Classification: Benign for Hereditary diffuse gastric adenocarcinoma. Last evaluated: 2024-10-15. Review status: criteria provided, single submitter. Criteria: Myriad Autosomal Dominant, Autosomal Recessive and X-Linked Classification Criteria (2023). Collection method: clinical testing. Allele origin: unknown.
Comment: This variant is considered benign. This variant is a silent/synonymous amino acid change and it is not expected to impact splicing.

Ambry Genetics
Classification: Likely benign for Hereditary cancer-predisposing syndrome. Last evaluated: 2022-03-04. Review status: criteria provided, single submitter. Criteria: Ambry Variant Classification Scheme 2023. Collection method: clinical testing. Allele origin: germline.

NM_001903.5(CTNNA1):c.2667G>A (p.Lys889=)

Gene: CTNNA1 (catenin alpha 1; plus strand). Cytogenetic location: 5q31.2.
Variant type: single nucleotide variant.
Coding change: c.2667G>A on transcript NM_001903.5 (MANE Select); coding-DNA position 2667, G replaced by A.
Protein change: p.Lys889=; no amino-acid change (lysine 889 retained).
Molecular consequence: synonymous variant. On other transcripts: 3 prime UTR variant (5).
Genome position (GRCh38, 1-based): chr5:138,934,035, G>A. VCF-style: chr5-138934035-G-A. GRCh37 (hg19) VCF-style: chr5-138269724-G-A.
Other names: c.*212G>A (NM_001290307.3, NM_001324002.1, NM_001324003.1 and 2 more transcripts); c.2358G>A, p.Lys786= (NM_001290309.3); c.1557G>A, p.Lys519= (NM_001323988.1, NM_001323989.1, NM_001290312.1 and 12 more transcripts); c.2298G>A, p.Lys766= (NM_001290310.3); c.2667G>A, p.Lys889= (NM_001323982.2, NM_001323983.1, NM_001323984.2); c.2640G>A, p.Lys880= (NM_001323985.2); c.2574G>A, p.Lys858= (NM_001323986.2); c.1422G>A, p.Lys474= (NM_001324001.1); and 3 more.
Identifiers: ClinVar variation 1794507 (VCV001794507.3), dbSNP rs2150360221, ClinGen allele CA446793539.